The following is an entry in ClinVar:

ClinVar aggregate classification (germline): Conflicting classifications of pathogenicity. Review status: criteria provided, conflicting classifications (1 of 4 stars). 2 submissions from 2 submitters: Uncertain significance (1); Likely benign (1). Last evaluated 2024-10-30.

Conditions:
Hereditary cancer-predisposing syndrome. Also called: Neoplastic Syndromes, Hereditary; Tumor predisposition; Hereditary Cancer Syndrome; Hereditary neoplastic syndrome. Identifiers: Orphanet 140162, MedGen C0027672, MeSH D009386, MONDO:0015356.

Allele frequency attached by ClinVar (database versions not stated): gnomAD exomes below 0.00001.
gnomAD v4.1: 1 of 1,613,624 alleles (0.000062%); highest among the groups gnomAD compares: Admixed American, 0.0017%; no homozygotes.

Submissions (2):

Ambry Genetics
Classification: Likely benign for Hereditary cancer-predisposing syndrome. Last evaluated: 2024-10-30. Review status: criteria provided, single submitter. Criteria: Ambry Variant Classification Scheme 2023. Collection method: clinical testing. Allele origin: germline.

Labcorp Genetics (formerly Invitae), Labcorp
Classification: Uncertain significance for Hereditary cancer-predisposing syndrome. Last evaluated: 2023-07-05. Review status: criteria provided, single submitter. Criteria: Invitae Variant Classification Sherloc (09022015). Collection method: clinical testing. Allele origin: germline.
Comment: This sequence change replaces histidine, which is basic and polar, with tyrosine, which is neutral and polar, at codon 862 of the RAD50 protein (p.His862Tyr). This variant is not present in population databases (gnomAD no frequency). This variant has not been reported in the literature in individuals affected with RAD50-related conditions. ClinVar contains an entry for this variant (Variation ID: 233825). Advanced modeling of protein sequence and biophysical properties (such as structural, functional, and spatial information, amino acid conservation, physicochemical variation, residue mobility, and thermodynamic stability) performed at Invitae indicates that this missense variant is not expected to disrupt RAD50 protein function. In summary, the available evidence is currently insufficient to determine the role of this variant in disease. Therefore, it has been classified as a Variant of Uncertain Significance.

NM_005732.4(RAD50):c.2584C>T (p.His862Tyr)

Gene: RAD50 (RAD50 double strand break repair protein; plus strand). Cytogenetic location: 5q31.1.
Variant type: single nucleotide variant.
Coding change: c.2584C>T on transcript NM_005732.4 (MANE Select); coding-DNA position 2584, C replaced by T.
Protein change: p.His862Tyr; replaces histidine 862 with tyrosine.
Molecular consequence: missense variant.
Genome position (GRCh38, 1-based): chr5:132,604,865, C>T. VCF-style: chr5-132604865-C-T. GRCh37 (hg19) VCF-style: chr5-131940557-C-T.
Other names: short protein forms H862Y.
Identifiers: ClinVar variation 233825 (VCV000233825.14), dbSNP rs876660666, ClinGen allele CA10578570.